The following is an entry in ClinVar:

ClinVar aggregate classification (germline): Uncertain significance. Review status: criteria provided, multiple submitters, no conflicts (2 of 4 stars). 3 submissions from 3 submitters: Uncertain significance (2). 1 of the submissions does not count toward it. Last evaluated 2023-11-10.

Conditions:
PKD1-related disorder. Also called: PKD1-related condition.

Allele frequency attached by ClinVar (database versions not stated): gnomAD exomes 0.00005; ExAC 0.00007; ESP Exome Variant Server 0.00016; TOPMed 0.00017; gnomAD 0.00018 and 0.00019.
gnomAD v4.1: 97 of 1,586,762 alleles (0.0061%); highest among the groups gnomAD compares: African/African-American, 0.05%; no homozygotes.

Submissions (3):

Athena Diagnostics
Classification: Uncertain significance. Last evaluated: 2023-11-10. Review status: criteria provided, single submitter. Criteria: Athena Diagnostics Criteria. Collection method: clinical testing. Allele origin: unknown.
Comment: Available data are insufficient to determine the clinical significance of the variant at this time. The frequency of this variant in the general population is uninformative in assessment of its pathogenicity. This variant has been identified in at least one individual with clinical features associated with this gene. Computational tools predict that this variant is damaging.

Mendelics
Classification: Uncertain significance. Last evaluated: 2022-05-04. Review status: criteria provided, single submitter. Criteria: Mendelics Assertion Criteria 2019. Collection method: clinical testing. Allele origin: germline.

PreventionGenetics, part of Exact Sciences
Classification: Uncertain significance for PKD1-related condition. Last evaluated: 2024-03-22. Review status: no assertion criteria provided. Collection method: clinical testing. Allele origin: germline. Not counted in ClinVar's aggregate classification.
Comment: The PKD1 c.9740G>A variant is predicted to result in the amino acid substitution p.Arg3247His. This variant was reported in two individuals with polycystic kidney disease (Afzal et al. 2000. PubMed ID: 11216660). In addition, a different substitution at the same codon, defined as c.9739C>T (p.Arg3247Cys), was reported in individuals with autosomal dominant polycystic kidney disease (ADPKD), but the clinical significance was uncertain (Table S2 of Kurashige et al. 2015. PubMed ID: 24611717; Patient 15686 who also has a pathogenic PKD1 variant in Table 5 of Mantovani et al. 2020. PubMed ID: 32457805). The c.9740G>A (p.Arg3247His) variant is reported in 0.025% of alleles in individuals of African descent in gnomAD. At this time, the clinical significance of this variant is uncertain due to the absence of conclusive functional and genetic evidence.

Literature cited by the submitters: PubMed 11216660 (cited by Athena Diagnostics).

NM_001009944.3(PKD1):c.9740G>A (p.Arg3247His)

Gene: PKD1 (polycystin 1, transient receptor potential channel interacting; minus strand). Cytogenetic location: 16p13.3.
Variant type: single nucleotide variant.
Coding change: c.9740G>A on transcript NM_001009944.3 (MANE Select); coding-DNA position 9740, G replaced by A.
Protein change: p.Arg3247His; replaces arginine 3247 with histidine.
Molecular consequence: missense variant.
Genome position (GRCh38, 1-based): chr16:2,100,044, C>T on the plus strand (G>A on the coding strand, the complement: PKD1 is on the minus strand). VCF-style: chr16-2100044-C-T. GRCh37 (hg19) VCF-style: chr16-2150045-C-T.
Other names: c.9740G>A, p.Arg3247His (NM_000296.4); c.9740G>A (NM_001009944.2, NM_000296.3); short protein forms R3247H.
Identifiers: ClinVar variation 1685010 (VCV001685010.3), dbSNP rs140791671, ClinGen allele CA7829925.